The following is an entry in ClinVar:

NM_000053.4(ATP7B):c.3041C>T (p.Pro1014Leu)

Gene: ATP7B (ATPase copper transporting beta; minus strand). Cytogenetic location: 13q14.3.
Variant type: single nucleotide variant.
Coding change: c.3041C>T on transcript NM_000053.4 (MANE Select); coding-DNA position 3041, C replaced by T.
Protein change: p.Pro1014Leu; replaces proline 1014 with leucine.
Molecular consequence: missense variant.
Genome position (GRCh38, 1-based): chr13:51,946,303, G>A on the plus strand (C>T on the coding strand, the complement: ATP7B is on the minus strand). VCF-style: chr13-51946303-G-A. GRCh37 (hg19) VCF-style: chr13-52520439-G-A.
Other names: c.2420C>T, p.Pro807Leu (NM_001005918.3); c.2708C>T, p.Pro903Leu (NM_001243182.2); c.2807C>T, p.Pro936Leu (NM_001330578.2); c.2789C>T, p.Pro930Leu (NM_001330579.2); short protein forms P1014L, P807L, P903L, P930L, P936L.
Identifiers: ClinVar variation 1343571 (VCV001343571.7), dbSNP rs2139048200, ClinGen allele CA388031831.

ClinVar aggregate classification (germline): Conflicting classifications of pathogenicity. Review status: criteria provided, conflicting classifications (1 of 4 stars). 3 submissions from 3 submitters: Likely pathogenic (1); Uncertain significance (2). Last evaluated 2025-10-21.

Conditions:
Wilson disease (WND). Also called: Wilson's disease. Identifiers: Orphanet 905, MedGen C0019202, MONDO:0010200, OMIM 277900. Disease mechanism: loss of function.

Allele frequency attached by ClinVar (database versions not stated): gnomAD exomes below 0.00001.
gnomAD v4.1: 1 of 1,595,404 alleles (0.000063%); highest among the groups gnomAD compares: East Asian, 0.0023%; no homozygotes.

Submissions (3):

Women's Health and Genetics/Laboratory Corporation of America, LabCorp
Classification: Uncertain significance. Last evaluated: 2025-10-21. Review status: criteria provided, single submitter. Criteria: LabCorp Variant Classification Summary - May 2015. Collection method: clinical testing. Allele origin: germline.
Comment: Variant summary: ATP7B c.3041C>T (p.Pro1014Leu) results in a non-conservative amino acid change located in the P-type ATPase, haloacid dehalogenase domain (IPR044492) of the encoded protein sequence. Algorithms developed to predict the effect of missense changes on protein structure and function all suggest that this variant is likely to be disruptive. The variant was absent in 219476 control chromosomes (gnomAD). The available data on variant occurrences in the general population are insufficient to allow any conclusion about variant significance. c.3041C>T has been reported in the literature in individuals affected with Wilson Disease (example, Li_2011, Abuduxikuer_2014, Cheng_2017). These data do not allow any conclusion about variant significance. To our knowledge, no experimental evidence demonstrating an impact on protein function has been reported. The following publications have been ascertained in the context of this evaluation (PMID: 24475083, 27982432, 21219664, 34470610, 38964898, 31059521, 30275481, 23235335). ClinVar contains an entry for this variant (Variation ID: 1343571). Based on the evidence outlined above, the variant was classified as uncertain significance.

Labcorp Genetics (formerly Invitae), Labcorp
Classification: Likely pathogenic for Wilson disease. Last evaluated: 2024-01-12. Review status: criteria provided, single submitter. Criteria: Invitae Variant Classification Sherloc (09022015). Collection method: clinical testing. Allele origin: germline.
Comment: This sequence change replaces proline, which is neutral and non-polar, with leucine, which is neutral and non-polar, at codon 1014 of the ATP7B protein (p.Pro1014Leu). This variant is not present in population databases (gnomAD no frequency). This missense change has been observed in individual(s) with Wilson disease (PMID: 24475083, 27982432, 34470610). In at least one individual the data is consistent with being in trans (on the opposite chromosome) from a pathogenic variant. ClinVar contains an entry for this variant (Variation ID: 1343571). Advanced modeling of protein sequence and biophysical properties (such as structural, functional, and spatial information, amino acid conservation, physicochemical variation, residue mobility, and thermodynamic stability) performed at Invitae indicates that this missense variant is expected to disrupt ATP7B protein function with a positive predictive value of 80%. In summary, the currently available evidence indicates that the variant is pathogenic, but additional data are needed to prove that conclusively. Therefore, this variant has been classified as Likely Pathogenic.

Fulgent Genetics
Classification: Uncertain significance for Wilson disease. Last evaluated: 2023-12-29. Review status: criteria provided, single submitter. Criteria: ACMG Guidelines, 2015. Collection method: clinical testing. Allele origin: germline.

Literature cited by the submitters: PubMed 21219664 (cited by Women's Health and Genetics/Laboratory Corporation of America, LabCorp); PubMed 23235335 (cited by Women's Health and Genetics/Laboratory Corporation of America, LabCorp); PubMed 24475083 (cited by Women's Health and Genetics/Laboratory Corporation of America, LabCorp and Labcorp Genetics (formerly Invitae), Labcorp); PubMed 27982432 (cited by Women's Health and Genetics/Laboratory Corporation of America, LabCorp and Labcorp Genetics (formerly Invitae), Labcorp); PubMed 31059521 (cited by Women's Health and Genetics/Laboratory Corporation of America, LabCorp); PubMed 30275481 (cited by Women's Health and Genetics/Laboratory Corporation of America, LabCorp); PubMed 34470610 (cited by Women's Health and Genetics/Laboratory Corporation of America, LabCorp and Labcorp Genetics (formerly Invitae), Labcorp); PubMed 38964898 (cited by Women's Health and Genetics/Laboratory Corporation of America, LabCorp).